The following is an entry in ClinVar:

NM_003906.5(MCM3AP):c.2997del (p.Val1000fs)

Gene: MCM3AP (minichromosome maintenance complex component 3 associated protein; minus strand). Cytogenetic location: 21q22.3.
Variant type: Deletion.
Coding change: c.2997del on transcript NM_003906.5 (MANE Select); coding-DNA position 2997, one base deleted (C; older notation c.2997delC).
Protein change: p.Val1000fs; shifts the reading frame from valine 1000.
Molecular consequence: frameshift variant.
Genome position (GRCh38, 1-based): chr21:46,265,959, G deleted on the plus strand (C on the coding strand, the reverse complement: MCM3AP is on the minus strand); the first of 3 consecutive G bases (chr21:46,265,959-46,265,961); deleting any one gives the same sequence. VCF-style (leftmost placement, unchanged base first): chr21-46265958-CG-C. GRCh37 (hg19) VCF-style: chr21-47685872-CG-C.
Other names: short protein forms V1000fs.
Identifiers: ClinVar variation 3011241 (VCV003011241.3), dbSNP rs2517389781, ClinGen allele CA2655002350.
Genomic context (GRCh38, chr21:46,265,958, plus strand): 5'-CCTCACTACGACTGCAGCTTCACTCACCCACTGTGTCGGAGCCGGGTCTCTGGGTGCTGA[CG>C]GGCAGCTCCGCGGCCAGGCTCTCCCCGATGTACTTGTTCTGGGAGTTGAAGCTGCACACA-3'

ClinVar aggregate classification (germline): Pathogenic (1 of 4 stars; one submission).

Submission:

Labcorp Genetics (formerly Invitae), Labcorp
Classification: Pathogenic. Last evaluated: 2023-08-07. Review status: criteria provided, single submitter. Criteria: Invitae Variant Classification Sherloc (09022015). Collection method: clinical testing. Allele origin: germline.
Comment: For these reasons, this variant has been classified as Pathogenic. This variant has not been reported in the literature in individuals affected with MCM3AP-related conditions. This variant is not present in population databases (gnomAD no frequency). This sequence change creates a premature translational stop signal (p.Val1000Serfs*21) in the MCM3AP gene. It is expected to result in an absent or disrupted protein product. Loss-of-function variants in MCM3AP are known to be pathogenic (PMID: 28633435).

Literature cited by the submitters: PubMed 28633435.